The following is an entry in ClinVar:

NM_001326411.2(PISD):c.1201C>T (p.Arg401Cys)

Gene: PISD (phosphatidylserine decarboxylase; minus strand). Cytogenetic location: 22q12.2.
Variant type: single nucleotide variant.
Coding change: c.1201C>T on transcript NM_001326411.2 (MANE Select); coding-DNA position 1201, C replaced by T.
Protein change: p.Arg401Cys; replaces arginine 401 with cysteine.
Molecular consequence: missense variant. On other transcripts: 3 prime UTR variant (1).
Genome position (GRCh38, 1-based): chr22:31,619,641, G>A on the plus strand (C>T on the coding strand, the complement: PISD is on the minus strand). VCF-style: chr22-31619641-G-A. GRCh37 (hg19) VCF-style: chr22-32015627-G-A.
Other names: c.1138C>T, p.Arg380Cys (NM_001326412.1, NM_001326413.2, NM_001326414.2); c.1099C>T, p.Arg367Cys (NM_001326415.2, NM_001326416.2, NM_001326417.2 and 2 more transcripts); c.1021C>T, p.Arg341Cys (NM_001326418.2); c.985C>T, p.Arg329Cys (NM_001326419.2); c.907C>T, p.Arg303Cys (NM_001326420.2); c.*149C>T (NM_001326421.1); c.1099C>T (NM_014338.3); short protein forms R341C, R401C, R303C, R380C, R329C, R367C.
Identifiers: ClinVar variation 1487418 (VCV001487418.4), dbSNP rs140479024, ClinGen allele CA10194505.

ClinVar aggregate classification (germline): Uncertain significance. Review status: criteria provided, multiple submitters, no conflicts (2 of 4 stars). 2 submissions from 2 submitters: Uncertain significance (2). Last evaluated 2022-12-15.

Conditions:
Inborn genetic diseases. Identifiers: MedGen C0950123, MeSH D030342.

Allele frequency attached by ClinVar (database versions not stated): ExAC 0.00002; gnomAD 0.00002 and 0.00003; gnomAD exomes 0.00002 and 0.00003; TOPMed 0.00003; ESP Exome Variant Server 0.00015.
gnomAD v4.1: 55 of 1,614,140 alleles (0.0034%); highest among the groups gnomAD compares: Middle Eastern, 0.016%; no homozygotes.

Submissions (2):

Ambry Genetics
Classification: Uncertain significance for Inborn genetic diseases. Last evaluated: 2022-12-15. Review status: criteria provided, single submitter. Criteria: Ambry Variant Classification Scheme 2023. Collection method: clinical testing. Allele origin: germline.

Labcorp Genetics (formerly Invitae), Labcorp
Classification: Uncertain significance. Last evaluated: 2022-01-13. Review status: criteria provided, single submitter. Criteria: Invitae Variant Classification Sherloc (09022015). Collection method: clinical testing. Allele origin: germline.
Comment: This sequence change replaces arginine with cysteine at codon 401 of the PISD protein (p.Arg401Cys). The arginine residue is moderately conserved and there is a large physicochemical difference between arginine and cysteine. This variant is present in population databases (rs140479024, gnomAD 0.004%). This variant has not been reported in the literature in individuals affected with PISD-related conditions. Algorithms developed to predict the effect of missense changes on protein structure and function are either unavailable or do not agree on the potential impact of this missense change (SIFT: "Not Available"; PolyPhen-2: "Benign"; Align-GVGD: "Not Available"). In summary, the available evidence is currently insufficient to determine the role of this variant in disease. Therefore, it has been classified as a Variant of Uncertain Significance.